The following is an entry in ClinVar:

NM_006031.6(PCNT):c.2281C>T (p.Arg761Trp)

Gene: PCNT (pericentrin; plus strand). Cytogenetic location: 21q22.3.
Variant type: single nucleotide variant.
Coding change: c.2281C>T on transcript NM_006031.6 (MANE Select); coding-DNA position 2281, C replaced by T.
Protein change: p.Arg761Trp; replaces arginine 761 with tryptophan.
Molecular consequence: missense variant.
Genome position (GRCh38, 1-based): chr21:46,363,606, C>T. VCF-style: chr21-46363606-C-T. GRCh37 (hg19) VCF-style: chr21-47783521-C-T.
Other names: c.1927C>T, p.Arg643Trp (NM_001315529.2); short protein forms R643W, R761W.
Identifiers: ClinVar variation 2634370 (VCV002634370.3), dbSNP rs367970080, ClinGen allele CA10078940.

ClinVar aggregate classification (germline): Uncertain significance (0 of 4 stars; one submission).

Conditions:
PCNT-related disorder. Also called: PCNT-related condition.

Allele frequency attached by ClinVar (database versions not stated): TOPMed 0.00005; gnomAD exomes 0.00006; ExAC 0.00007; ESP Exome Variant Server 0.00008; gnomAD 0.00010; 1000 Genomes Project 30x 0.00078; 1000 Genomes Project 0.00100.
gnomAD v4.1: 106 of 1,614,050 alleles (0.0066%); highest among the groups gnomAD compares: South Asian, 0.029%; no homozygotes.

Submission:

PreventionGenetics, part of Exact Sciences
Classification: Uncertain significance for PCNT-related condition. Last evaluated: 2024-08-22. Review status: no assertion criteria provided. Collection method: clinical testing. Allele origin: germline.
Comment: The PCNT c.2281C>T variant is predicted to result in the amino acid substitution p.Arg761Trp. To our knowledge, this variant has not been reported in the literature. This variant is reported in 0.029% of alleles in individuals of South Asian descent in gnomAD. At this time, the clinical significance of this variant is uncertain due to the absence of conclusive functional and genetic evidence.